The following is an entry in ClinVar:

NM_014363.6(SACS):c.3702G>A (p.Trp1234Ter)

Gene: SACS (sacsin molecular chaperone; minus strand). Cytogenetic location: 13q12.12.
Variant type: single nucleotide variant.
Coding change: c.3702G>A on transcript NM_014363.6 (MANE Select); coding-DNA position 3702, G replaced by A.
Protein change: p.Trp1234Ter; replaces tryptophan 1234 with a stop codon.
Molecular consequence: nonsense.
Genome position (GRCh38, 1-based): chr13:23,340,174, C>T on the plus strand (G>A on the coding strand, the complement: SACS is on the minus strand). VCF-style: chr13-23340174-C-T. GRCh37 (hg19) VCF-style: chr13-23914313-C-T.
Other names: c.3261G>A, p.Trp1087Ter (NM_001278055.2); short protein forms W1087*, W1234*.
Identifiers: ClinVar variation 2865516 (VCV002865516.3), dbSNP rs2542291965, ClinGen allele CA387533906.
Genomic context (GRCh38, chr13:23,340,174, plus strand): 5'-CTCAAGCAAAATATGCTGGAATTGATAGTAGTCTTCATCACTAAAGGTTTTTGAAGAATA[C>T]CAATCAACAACAATTTTAAAGTGTTTTAAGACAGCACTAAGGCTAGGTTTTGTGAAGATC-3'

ClinVar aggregate classification (germline): Pathogenic (1 of 4 stars; one submission).

Conditions:
Spastic paraplegia. Identifiers: MedGen C0037772, HP:0001258.

Submission:

Labcorp Genetics (formerly Invitae), Labcorp
Classification: Pathogenic for Spastic paraplegia. Last evaluated: 2023-05-19. Review status: criteria provided, single submitter. Criteria: Invitae Variant Classification Sherloc (09022015). Collection method: clinical testing. Allele origin: germline.
Comment: This variant has not been reported in the literature in individuals affected with SACS-related conditions. For these reasons, this variant has been classified as Pathogenic. This variant disrupts a region of the SACS protein in which other variant(s) (p.Asn4549Asp) have been determined to be pathogenic (PMID: 15156359, 21507954). This suggests that this is a clinically significant region of the protein, and that variants that disrupt it are likely to be disease-causing. This variant is not present in population databases (gnomAD no frequency). This sequence change creates a premature translational stop signal (p.Trp1234*) in the SACS gene. While this is not anticipated to result in nonsense mediated decay, it is expected to disrupt the last 3346 amino acid(s) of the SACS protein.

Literature cited by the submitters: PubMed 15156359; PubMed 21507954.